The following is an entry in ClinVar:

NM_001287.6(CLCN7):c.26C>G (p.Ser9Cys)

Genes: CLCN7 (chloride voltage-gated channel 7; minus strand), LOC130058166 (ATAC-STARR-seq lymphoblastoid silent region 6986; plus strand). Cytogenetic location: 16p13.3.
Variant type: single nucleotide variant.
Coding change: c.26C>G on transcript NM_001287.6 (MANE Select); coding-DNA position 26, C replaced by G.
Protein change: p.Ser9Cys; replaces serine 9 with cysteine.
Molecular consequence: missense variant.
Genome position (GRCh38, 1-based): chr16:1,474,949, G>C on the plus strand (C>G on the coding strand, the complement: CLCN7 is on the minus strand). VCF-style: chr16-1474949-G-C. GRCh37 (hg19) VCF-style: chr16-1524950-G-C.
Other names: c.26C>G, p.Ser9Cys (NM_001114331.3); short protein forms S9C.
Identifiers: ClinVar variation 3693308 (VCV003693308.2).

ClinVar aggregate classification (germline): Uncertain significance (1 of 4 stars; one submission).

gnomAD v4.1: 1 of 1,493,396 alleles (0.000067%); highest among the groups gnomAD compares: South Asian, 0.0012%; no homozygotes.

Submission:

Labcorp Genetics (formerly Invitae), Labcorp
Classification: Uncertain significance. Last evaluated: 2024-02-25. Review status: criteria provided, single submitter. Criteria: Invitae Variant Classification Sherloc (09022015). Collection method: clinical testing. Allele origin: germline.
Comment: This sequence change replaces serine, which is neutral and polar, with cysteine, which is neutral and slightly polar, at codon 9 of the CLCN7 protein (p.Ser9Cys). This variant is not present in population databases (gnomAD no frequency). This variant has not been reported in the literature in individuals affected with CLCN7-related conditions. An algorithm developed to predict the effect of missense changes on protein structure and function (PolyPhen-2) suggests that this variant is likely to be disruptive. In summary, the available evidence is currently insufficient to determine the role of this variant in disease. Therefore, it has been classified as a Variant of Uncertain Significance.